The following is an entry in ClinVar:

NM_001195305.3(BBIP1):c.38-6097_38-6093del

Gene: BBIP1 (BBSome interacting protein 1; minus strand). Cytogenetic location: 10q25.2.
Variant type: Deletion.
Coding change: c.38-6097_38-6093del on transcript NM_001195305.3 (MANE Select); 6097 bases into the intron before coding-DNA position 38 through 6093 bases into the intron before coding-DNA position 38, 5 bases deleted (GACAA; older notation c.38-6097_38-6093delGACAA).
Molecular consequence: intron variant. On other transcripts: frameshift variant (1).
Genome position (GRCh38, 1-based): chr10:110,907,705-110,907,709, TTGTC deleted on the plus strand (GACAA on the coding strand, the reverse complement: BBIP1 is on the minus strand); deleting any 5 consecutive bases within chr10:110,907,705-110,907,711 gives the same sequence; the c. name uses the placement nearest the transcript's 3' end. VCF-style (leftmost placement, unchanged base first): chr10-110907704-ATTGTC-A. GRCh37 (hg19) VCF-style: chr10-112667462-ATTGTC-A.
Other names: c.165_169del, p.Lys55fs (NM_001195304.2); c.38-6097_38-6093del (NM_001195306.2); c.-29-6097_-29-6093del (NM_001243783.3); c.38-7183_38-7179del (NM_001195307.2); short protein forms K55fs.
Identifiers: ClinVar variation 4995668 (VCV004995668.1).

ClinVar aggregate classification (germline): Uncertain significance (1 of 4 stars; one submission).

Conditions:
BBIP1-related disorder. Also called: BBIP1-related condition.

Submission:

PreventionGenetics, part of Exact Sciences
Classification: Uncertain significance for BBIP1-related condition. Last evaluated: 2025-11-13. Review status: criteria provided, single submitter. Criteria: ACMG Guidelines, 2015. Collection method: clinical testing. Allele origin: germline.
Comment: The BBIP1 c.165_169del5 variant is predicted to result in a frameshift and premature protein termination (p.Lys55Asnfs*23). To our knowledge, this variant has not been reported in the literature or in a large population database (gnomAD), indicating this variant is rare. Loss of function has not been conclusively established as a mechanism for BBIP1-related disorders. Although we suspect that this variant may be pathogenic, at this time, the clinical significance of this variant is uncertain due to the absence of conclusive functional and genetic evidence.